The following is an entry in ClinVar:

NM_005378.6(MYCN):c.1392C>A (p.Cys464Ter)

Gene: MYCN (MYCN proto-oncogene, bHLH transcription factor; plus strand). Cytogenetic location: 2p24.3.
Variant type: single nucleotide variant.
Coding change: c.1392C>A on transcript NM_005378.6 (MANE Select); coding-DNA position 1392, C replaced by A.
Protein change: p.Cys464Ter; replaces cysteine 464 with a stop codon.
Molecular consequence: nonsense. On other transcripts: 3 prime UTR variant (1).
Genome position (GRCh38, 1-based): chr2:15,946,094, C>A. VCF-style: chr2-15946094-C-A. GRCh37 (hg19) VCF-style: chr2-16086216-C-A.
Other names: c.1392C>A, p.Cys464Ter (NM_001293228.2); c.759C>A, p.Cys253Ter (NM_001293231.2); c.*1327C>A (NM_001293233.2); short protein forms C464*, C253*.
Identifiers: ClinVar variation 1935352 (VCV001935352.5), dbSNP rs751904867, ClinGen allele CA345932918.

ClinVar aggregate classification (germline): Uncertain significance (1 of 4 stars; one submission).

gnomAD v4.1: 1 of 1,614,140 alleles (0.000062%); highest among the groups gnomAD compares: Non-Finnish European, 0.000085%; no homozygotes.

Submission:

Labcorp Genetics (formerly Invitae), Labcorp
Classification: Uncertain significance. Last evaluated: 2024-12-02. Review status: criteria provided, single submitter. Criteria: Invitae Variant Classification Sherloc (09022015). Collection method: clinical testing. Allele origin: germline.
Comment: This sequence change creates a premature translational stop signal (p.Cys464*) in the MYCN gene. While this is not anticipated to result in nonsense mediated decay, it is expected to disrupt the last 1 amino acid(s) of the MYCN protein. This variant is not present in population databases (gnomAD no frequency). This variant has not been reported in the literature in individuals affected with MYCN-related conditions. ClinVar contains an entry for this variant (Variation ID: 1935352). Experimental studies and prediction algorithms are not available or were not evaluated, and the functional significance of this variant is currently unknown. In summary, the available evidence is currently insufficient to determine the role of this variant in disease. Therefore, it has been classified as a Variant of Uncertain Significance.